The following is an entry in ClinVar:

NM_198129.4(LAMA3):c.3827C>T (p.Pro1276Leu)

Gene: LAMA3 (laminin subunit alpha 3; plus strand). Cytogenetic location: 18q11.2.
Variant type: single nucleotide variant.
Coding change: c.3827C>T on transcript NM_198129.4 (MANE Select); coding-DNA position 3827, C replaced by T.
Protein change: p.Pro1276Leu; replaces proline 1276 with leucine.
Molecular consequence: missense variant.
Genome position (GRCh38, 1-based): chr18:23,846,404, C>T. VCF-style: chr18-23846404-C-T. GRCh37 (hg19) VCF-style: chr18-21426368-C-T.
Other names: c.3827C>T, p.Pro1276Leu (NM_001127717.4); c.3827C>T (NM_198129.1); short protein forms P1276L.
Identifiers: ClinVar variation 1048998 (VCV001048998.3), dbSNP rs749103134, ClinGen allele CA8915396.
Genomic context (GRCh38, chr18:23,846,404, plus strand): 5'-TGGCCTTTTACCACAAGGGCGCCCTGCCTTGTGAGTGCCACCCCACTGGGGCCACCGGCC[C>T]TCACTGCAGCCCTGAGGGTGGGCAGTGCCCATGCCAGCCCAACGTCATCGGGCGGCAGTG-3'
Protein context (NP_937762.2, residues 1266-1286): CECHPTGATG[Pro1276Leu]HCSPEGGQCP

ClinVar aggregate classification (germline): Uncertain significance. Review status: criteria provided, single submitter (1 of 4 stars). 2 submissions from 2 submitters: Uncertain significance (1). 1 of the submissions does not count toward it. Last evaluated 2025-08-25.

Conditions:
Inborn genetic diseases. Identifiers: MedGen C0950123, MeSH D030342.

Allele frequency attached by ClinVar (database versions not stated): gnomAD 0.00006; ExAC 0.00007; gnomAD exomes 0.00010; TOPMed 0.00011.
gnomAD v4.1: 159 of 1,614,004 alleles (0.0099%); highest among the groups gnomAD compares: Non-Finnish European, 0.012%; no homozygotes.

Submissions (2):

Ambry Genetics
Classification: Uncertain significance for Inborn genetic diseases. Last evaluated: 2025-08-25. Review status: criteria provided, single submitter. Criteria: Ambry Variant Classification Scheme 2023. Collection method: clinical testing. Allele origin: germline.

Department of Pathology and Laboratory Medicine, Sinai Health System
Classification: Uncertain significance. Review status: no assertion criteria provided. Collection method: clinical testing. Allele origin: unknown. Affected: yes. Study: The Canadian Open Genetics Repository (COGR). Not counted in ClinVar's aggregate classification.
Comment: The LAMA3 p.Pro1276Leu variant was not identified in the literature nor was it identified in ClinVar, Cosmic or LOVD 3.0. The variant was identified in dbSNP (ID: rs749103134) and in control databases in 26 of 279266 chromosomes at a frequency of 0.000093 (Genome Aggregation Database Feb 27, 2017). The variant was observed in the following populations: European (non-Finnish) in 22 of 127108 chromosomes (freq: 0.000173), Other in 1 of 7128 chromosomes (freq: 0.00014) and Latino in 3 of 35366 chromosomes (freq: 0.000085), while the variant was not observed in the African, Ashkenazi Jewish, East Asian, European (Finnish), and South Asian populations. The p.Pro1276 residue is not conserved in mammals and four out of five computational analyses (PolyPhen-2, SIFT, AlignGVGD, MutationTaster) do not suggest a high likelihood of impact to the protein; however, this information is not predictive enough to rule out pathogenicity. The variant occurs outside of the splicing consensus sequence and in silico or computational prediction software programs (SpliceSiteFinder, MaxEntScan, NNSPLICE, GeneSplicer) do not predict a difference in splicing. In summary, based on the above information the clinical significance of this variant cannot be determined with certainty at this time. This variant is classified as a variant of uncertain significance.